The following is an entry in ClinVar:

ClinVar aggregate classification (germline): Benign/Likely benign. Review status: criteria provided, multiple submitters, no conflicts (2 of 4 stars). 8 submissions from 8 submitters: Benign (7); Likely benign (1). Last evaluated 2026-09-21.

Conditions:
Cardiomyopathy (CMYO). Also called: Cardiomyopathies. Identifiers: Orphanet 167848, MedGen C0878544, MONDO:0004994, HP:0001638. Inheritance: Various modes of inheritance.
Cardiac arrhythmia, ankyrin-B-related. Also called: ANKYRIN-B SYNDROME. Identifiers: Orphanet 101016, Orphanet 768, MedGen C1970119, MONDO:0010958, OMIM 600919.
Cardiovascular phenotype. Identifiers: MedGen CN230736.
Long QT syndrome (LQTS). Identifiers: MedGen C0023976, MeSH D008133, MONDO:0002442. Disease mechanism: loss of function. Inheritance: Various modes of inheritance.

Allele frequency attached by ClinVar (database versions not stated): gnomAD exomes 0.00128 and 0.00043; ESP Exome Variant Server 0.00546; ExAC 0.00148; 1000 Genomes Project 30x 0.00297; gnomAD 0.00539 and 0.00489; 1000 Genomes Project 0.00240; TOPMed 0.00578.
gnomAD v4.1: 1,398 of 1,614,072 alleles (0.087%); highest among the groups gnomAD compares: African/African-American, 1.7%; 13 homozygotes.

Submissions (8):

Molecular Diagnostic Laboratory for Inherited Cardiovascular Disease, Montreal Heart Institute
Classification: Benign. Last evaluated: 2026-09-21. Review status: criteria provided, single submitter. Criteria: ACMG Guidelines, 2015. Collection method: clinical testing. Allele origin: germline. Affected: no.
Comment: BS1;BP4;BP6

Labcorp Genetics (formerly Invitae), Labcorp
Classification: Benign for Long QT syndrome. Last evaluated: 2026-02-02. Review status: criteria provided, single submitter. Criteria: Invitae Variant Classification Sherloc (09022015). Collection method: clinical testing. Allele origin: germline.

Genome-Nilou Lab
Classification: Benign for Cardiac arrhythmia, ankyrin-B-related. Last evaluated: 2021-12-05. Review status: criteria provided, single submitter. Criteria: ACMG Guidelines, 2015. Collection method: clinical testing. Allele origin: germline. Affected: no.

Fulgent Genetics
Classification: Benign for Cardiac arrhythmia, ankyrin-B-related. Last evaluated: 2021-07-28. Review status: criteria provided, single submitter. Criteria: ACMG Guidelines, 2015. Collection method: clinical testing. Allele origin: unknown.

Center for Advanced Laboratory Medicine, UC San Diego Health, University of California San Diego
Classification: Benign for Cardiomyopathy. Last evaluated: 2017-06-06. Review status: criteria provided, single submitter. Criteria: ACMG Guidelines, 2015. Collection method: clinical testing. Allele origin: germline. Affected: yes. Observed: 2 variant alleles.

GeneDx
Classification: Benign. Last evaluated: 2016-11-10. Review status: criteria provided, single submitter. Criteria: GeneDx Variant Classification (06012015). Collection method: clinical testing. Allele origin: germline. Affected: yes.
Comment: This variant is considered likely benign or benign based on one or more of the following criteria: it is a conservative change, it occurs at a poorly conserved position in the protein, it is predicted to be benign by multiple in silico algorithms, and/or has population frequency not consistent with disease.

Ambry Genetics
Classification: Benign for Cardiovascular phenotype. Last evaluated: 2015-10-01. Review status: criteria provided, single submitter. Criteria: Ambry Variant Classification Scheme 2023. Collection method: clinical testing. Allele origin: germline.

Breakthrough Genomics
Classification: Likely benign. Review status: criteria provided, single submitter. Criteria: ACMG Guidelines, 2015. Collection method: not provided. Allele origin: germline. Inheritance: Autosomal dominant inheritance. Affected: yes.

NM_001148.6(ANK2):c.7831T>C (p.Tyr2611His)

Genes: ANK2 (ankyrin 2; plus strand), LOC126807137 (CDK7 strongly-dependent group 2 enhancer GRCh37_chr4:114276560-114277759; plus strand). Cytogenetic location: 4q26.
Variant type: single nucleotide variant.
Coding change: c.7831T>C on transcript NM_001148.6 (MANE Select); coding-DNA position 7831, T replaced by C.
Protein change: p.Tyr2611His; replaces tyrosine 2611 with histidine.
Molecular consequence: missense variant. On other transcripts: intron variant (68).
Genome position (GRCh38, 1-based): chr4:113,356,449, T>C. VCF-style: chr4-113356449-T-C. GRCh37 (hg19) VCF-style: chr4-114277605-T-C.
Other names: c.7831T>C (NM_001148.5); c.7597T>C, p.Tyr2533His (NM_001386142.1); c.4231T>C, p.Tyr1411His (NM_001386166.1); c.7972T>C, p.Tyr2658His (NM_001386174.1); c.7948T>C, p.Tyr2650His (NM_001386175.1); c.4412-4374T>C (NM_001386186.2, NM_001386148.2); c.4214-4374T>C (NM_001354269.3); c.4292-4374T>C (NM_001386187.2); and 36 more; short protein forms Y2611H, Y1411H, Y2533H, Y2650H, Y2658H.
Identifiers: ClinVar variation 238590 (VCV000238590.23), dbSNP rs35338364, ClinGen allele CA3051657.